The following is an entry in ClinVar:

NM_017852.5(NLRP2):c.2031-4_2031-1delinsTTCTGATC

Gene: NLRP2 (NLR family pyrin domain containing 2; plus strand). Cytogenetic location: 19q13.42.
Variant type: Indel.
Coding change: c.2031-4_2031-1delinsTTCTGATC on transcript NM_017852.5 (MANE Select); 4 bases into the intron before coding-DNA position 2031 through the canonical splice acceptor site of the intron before coding-DNA position 2031, ATAG replaced by TTCTGATC.
Molecular consequence: splice acceptor variant.
Genome position (GRCh38, 1-based): chr19:54,985,043-54,985,046, ATAG replaced by TTCTGATC. VCF-style: chr19-54985043-ATAG-TTCTGATC. GRCh37 (hg19) VCF-style: chr19-55496411-ATAG-TTCTGATC.
Other names: c.2031-4_2031-1delinsTTCTGATC (NM_001174081.3); c.2022-4_2022-1delinsTTCTGATC (NM_001348003.2); c.1965-4_1965-1delinsTTCTGATC (NM_001174082.3); c.1962-4_1962-1delinsTTCTGATC (NM_001174083.2).
Identifiers: ClinVar variation 3776677 (VCV003776677.1).
Genomic context (GRCh38, chr19:54,985,043, plus strand): 5'-ACCCTAAATACTTCAGCCGTGATGGACACACATTTGGTGTAACCCTTTCTTCTCTTCCCT[ATAG>TTCTGATC]ATCCCAGGATGATCAGCACATGCTTCCTTTCTGGACGGACCTTTGTTCCATATTTGGATC-3'

ClinVar aggregate classification (germline): Uncertain significance (1 of 4 stars; one submission).

Submission:

GeneDx
Classification: Uncertain significance. Last evaluated: 2024-10-03. Review status: criteria provided, single submitter. Criteria: GeneDx Variant Classification Process June 2021. Collection method: clinical testing. Allele origin: germline. Affected: yes.
Comment: Not observed at significant frequency in large population cohorts (gnomAD); Canonical splice site variant with an unclear effect on protein function; Has not been previously published as pathogenic or benign to our knowledge